The following is an entry in ClinVar:

ClinVar aggregate classification (germline): Uncertain significance (1 of 4 stars; one submission).

Conditions:
Methylmalonic aciduria and homocystinuria type cblF. Also called: COBALAMIN F DISEASE; COBALAMIN, DEFECT IN LYSOSOMAL RELEASE OF; METHYLMALONIC ACIDEMIA AND HOMOCYSTINURIA, cblF TYPE; METHYLMALONIC ACIDURIA DUE TO VITAMIN B12-RELEASE DEFECT; VITAMIN B12 LYSOSOMAL RELEASE DEFECT; VITAMIN B12 STORAGE DISEASE. Identifiers: Orphanet 79284, MedGen C1848578, MONDO:0010183, OMIM 277380.

Allele frequency attached by ClinVar (database versions not stated): gnomAD exomes below 0.00001; gnomAD 0.00001; TOPMed 0.00001.
gnomAD v4.1: 5 of 1,611,556 alleles (0.00031%); highest among the groups gnomAD compares: Non-Finnish European, 0.00034%; no homozygotes.

Submission:

Labcorp Genetics (formerly Invitae), Labcorp
Classification: Uncertain significance for Methylmalonic aciduria and homocystinuria type cblF. Last evaluated: 2023-08-17. Review status: criteria provided, single submitter. Criteria: Invitae Variant Classification Sherloc (09022015). Collection method: clinical testing. Allele origin: germline.
Comment: This sequence change replaces arginine, which is basic and polar, with lysine, which is basic and polar, at codon 406 of the LMBRD1 protein (p.Arg406Lys). This variant is present in population databases (no rsID available, gnomAD 0.007%). In summary, the available evidence is currently insufficient to determine the role of this variant in disease. Therefore, it has been classified as a Variant of Uncertain Significance. Advanced modeling of protein sequence and biophysical properties (such as structural, functional, and spatial information, amino acid conservation, physicochemical variation, residue mobility, and thermodynamic stability) performed at Invitae indicates that this missense variant is not expected to disrupt LMBRD1 protein function. ClinVar contains an entry for this variant (Variation ID: 958218). This variant has not been reported in the literature in individuals affected with LMBRD1-related conditions.

NM_018368.4(LMBRD1):c.1217G>A (p.Arg406Lys)

Gene: LMBRD1 (LMBR1 domain containing 1; minus strand). Cytogenetic location: 6q13.
Variant type: single nucleotide variant.
Coding change: c.1217G>A on transcript NM_018368.4 (MANE Select); coding-DNA position 1217, G replaced by A.
Protein change: p.Arg406Lys; replaces arginine 406 with lysine.
Molecular consequence: missense variant.
Genome position (GRCh38, 1-based): chr6:69,699,164, C>T on the plus strand (G>A on the coding strand, the complement: LMBRD1 is on the minus strand). VCF-style: chr6-69699164-C-T. GRCh37 (hg19) VCF-style: chr6-70409056-C-T.
Other names: c.998G>A, p.Arg333Lys (NM_001363722.2, NM_001367271.1, NM_001367272.1); short protein forms R406K, R333K.
Identifiers: ClinVar variation 958218 (VCV000958218.10), dbSNP rs1364347331, ClinGen allele CA364663960.
Genomic context (GRCh38, chr6:69,699,164, plus strand): 5'-TAGCTAGTGTGAAGGACAATAAGCAGAAGTATCATGCAGAGAAAAAGGAGTGCTTGGGGC[C>T]TGGTTCTACCTCTTCTGATTTTATATAACTGGAAAGAAAAGAGTGACAAAATTTCAGCAA-3'
Protein context (NP_060838.3, residues 396-416): RLYKIRRGRT[Arg406Lys]PQALLFLCMI